The following is an entry in ClinVar:

ClinVar aggregate classification (germline): Uncertain significance (1 of 4 stars; one submission).

Conditions:
Hereditary cancer-predisposing syndrome. Also called: Neoplastic Syndromes, Hereditary; Tumor predisposition; Hereditary Cancer Syndrome; Hereditary neoplastic syndrome. Identifiers: Orphanet 140162, MedGen C0027672, MeSH D009386, MONDO:0015356.

Submission:

Ambry Genetics
Classification: Uncertain significance for Hereditary cancer-predisposing syndrome. Last evaluated: 2020-12-14. Review status: criteria provided, single submitter. Criteria: Ambry Variant Classification Scheme 2023. Collection method: clinical testing. Allele origin: germline.
Comment: The p.L277M variant (also known as c.829T>A), located in coding exon 6 of the CHEK2 gene, results from a T to A substitution at nucleotide position 829. The leucine at codon 277 is replaced by methionine, an amino acid with highly similar properties. This amino acid position is highly conserved in available vertebrate species. In addition, the in silico prediction for this alteration is inconclusive. Since supporting evidence is limited at this time, the clinical significance of this alteration remains unclear.

NM_007194.4(CHEK2):c.829T>A (p.Leu277Met)

Gene: CHEK2 (checkpoint kinase 2; minus strand). Cytogenetic location: 22q12.1.
Variant type: single nucleotide variant.
Coding change: c.829T>A on transcript NM_007194.4 (MANE Select); coding-DNA position 829, T replaced by A.
Protein change: p.Leu277Met; replaces leucine 277 with methionine.
Molecular consequence: missense variant.
Genome position (GRCh38, 1-based): chr22:28,710,023, A>T on the plus strand (T>A on the coding strand, the complement: CHEK2 is on the minus strand). VCF-style: chr22-28710023-A-T. GRCh37 (hg19) VCF-style: chr22-29106011-A-T.
Other names: c.958T>A, p.Leu320Met (NM_001005735.3); c.166T>A, p.Leu56Met (NM_001257387.3); c.628T>A, p.Leu210Met (NM_001349956.3); c.829T>A, p.Leu277Met (NM_145862.3); short protein forms L56M, L210M, L320M, L277M.
Identifiers: ClinVar variation 1762809 (VCV001762809.2), dbSNP rs767199070, ClinGen allele CA411102355.
Genomic context (GRCh38, chr22:28,710,023, plus strand): 5'-TGAGATAGATAAATCTAAGTATGAGTCATATAATAATACTTACATGATTTAGCTTTTTCA[A>T]AATTTCTATTTCTGTTTCAACATTGAGAGCTGGGTCCTTTGATAAACAGAATAACAGAGT-3'
Protein context (NP_009125.1, residues 267-287): ALNVETEIEI[Leu277Met]KKLNHPCIIK